The following is an entry in ClinVar:

NM_000824.5(GLRB):c.844G>T (p.Val282Phe)

Gene: GLRB (glycine receptor beta; plus strand). Cytogenetic location: 4q32.1.
Variant type: single nucleotide variant.
Coding change: c.844G>T on transcript NM_000824.5 (MANE Select); coding-DNA position 844, G replaced by T.
Protein change: p.Val282Phe; replaces valine 282 with phenylalanine.
Molecular consequence: missense variant.
Genome position (GRCh38, 1-based): chr4:157,143,899, G>T. VCF-style: chr4-157143899-G-T. GRCh37 (hg19) VCF-style: chr4-158065051-G-T.
Other names: c.844G>T, p.Val282Phe (NM_001166060.2, NM_001166061.2); short protein forms V282F.
Identifiers: ClinVar variation 1993958 (VCV001993958.4), dbSNP rs938103926, ClinGen allele CA358644060.
Genomic context (GRCh38, chr4:157,143,899, plus strand): 5'-CTGAGGAGGCAGGTCGGCTTTTACATGATGGGGGTCTACGCCCCAACTCTGCTCATTGTT[G>T]TTCTCTCCTGGCTTTCCTTCTGGATCAACCCGGACGCGAGTGCTGCCAGAGTGCCCCTGG-3'
Protein context (NP_000815.1, residues 272-292): GVYAPTLLIV[Val282Phe]LSWLSFWINP

ClinVar aggregate classification (germline): Uncertain significance (1 of 4 stars; one submission).

Conditions:
Hyperekplexia 2 (HKPX2). Identifiers: Orphanet 3197, MedGen C3553291, MONDO:0013828, OMIM 614619.

Submission:

Labcorp Genetics (formerly Invitae), Labcorp
Classification: Uncertain significance for Hyperekplexia 2. Last evaluated: 2022-07-10. Review status: criteria provided, single submitter. Criteria: Invitae Variant Classification Sherloc (09022015). Collection method: clinical testing. Allele origin: germline.
Comment: In summary, the available evidence is currently insufficient to determine the role of this variant in disease. Therefore, it has been classified as a Variant of Uncertain Significance. This sequence change replaces valine, which is neutral and non-polar, with phenylalanine, which is neutral and non-polar, at codon 282 of the GLRB protein (p.Val282Phe). This variant is not present in population databases (gnomAD no frequency). This variant has not been reported in the literature in individuals affected with GLRB-related conditions. Algorithms developed to predict the effect of missense changes on protein structure and function (SIFT, PolyPhen-2, Align-GVGD) all suggest that this variant is likely to be disruptive.